The following is an entry in ClinVar:

ClinVar aggregate classification (germline): Uncertain significance/Uncertain risk allele. Review status: criteria provided, multiple submitters, no conflicts (2 of 4 stars). 2 submissions from 2 submitters: Uncertain significance (1); Uncertain risk allele (1). Last evaluated 2018-08-24.

Conditions:
Monogenic diabetes. Identifiers: Orphanet 183625, MedGen C3888631, MONDO:0015967.
Maturity-onset diabetes of the young (MODY). Also called: Maturity onset diabetes mellitus in young. Identifiers: Orphanet 552, MedGen C0342276, MONDO:0018911, HP:0004904.

Submissions (2):

Personalized Diabetes Medicine Program, University of Maryland School of Medicine
Classification: Uncertain significance for Monogenic diabetes. Last evaluated: 2018-08-24. Review status: criteria provided, single submitter. Criteria: ACMG Guidelines, 2015. Collection method: research. Allele origin: unknown. Observed: 1 variant allele, 1 heterozygote.
Comment: ACMG criteria: (PP3:6 predictors, BP4: predictors, REVEL=0.340,conflicting evidence, not using both), PM2=VUS

Clinical Genomics, Uppaluri K&H Personalized Medicine Clinic
Classification: Uncertain risk allele for Maturity-onset diabetes of the young. Review status: criteria provided, single submitter. Criteria: K & H Uppaluri Personalized Medicine Clinic Variant Classification & Assertion Criteria_Updated V.1. Collection method: research. Allele origin: unknown. Inheritance: Autosomal dominant inheritance.
Comment: HNF1B gene mutations are associated with early onset diabetes and pancreatic atrophy. It is also associated with multiple renal manifestations including renal cysts, Tubulointerstitial disease, glomerulocystic disease, renal hypoplasia, hypomagnesemia. However no sufficient evidence is found to ascertain the role of this particular variant rs2032897142, yet.

Literature cited by the submitters: PubMed 24897035 (cited by Clinical Genomics, Uppaluri K&H Personalized Medicine Clinic); PubMed 25536396 (cited by Clinical Genomics, Uppaluri K&H Personalized Medicine Clinic); PubMed 27615128 (cited by Clinical Genomics, Uppaluri K&H Personalized Medicine Clinic); PubMed 28215227 (cited by Clinical Genomics, Uppaluri K&H Personalized Medicine Clinic); PubMed 33434175 (cited by Clinical Genomics, Uppaluri K&H Personalized Medicine Clinic); PubMed 25741167 (cited by Clinical Genomics, Uppaluri K&H Personalized Medicine Clinic); PubMed 26340261 (cited by Clinical Genomics, Uppaluri K&H Personalized Medicine Clinic); PubMed 19639018 (cited by Clinical Genomics, Uppaluri K&H Personalized Medicine Clinic).

NM_000458.4(HNF1B):c.1180A>G (p.Asn394Asp)

Gene: HNF1B (HNF1 homeobox B; minus strand). Cytogenetic location: 17q12.
Variant type: single nucleotide variant.
Coding change: c.1180A>G on transcript NM_000458.4 (MANE Select); coding-DNA position 1180, A replaced by G.
Protein change: p.Asn394Asp; replaces asparagine 394 with aspartic acid.
Molecular consequence: missense variant.
Genome position (GRCh38, 1-based): chr17:37,710,529, T>C on the plus strand (A>G on the coding strand, the complement: HNF1B is on the minus strand). VCF-style: chr17-37710529-T-C. GRCh37 (hg19) VCF-style: chr17-36070537-T-C.
Other names: c.1102A>G, p.Asn368Asp (NM_001165923.4, NM_001304286.2); short protein forms N368D, N394D.
Identifiers: ClinVar variation 917407 (VCV000917407.2), dbSNP rs2032897142, ClinGen allele CA398759095.
Genomic context (GRCh38, chr17:37,710,529, plus strand): 5'-AGCTCCAGAGCGACAATGGCCCAGGTGTACTCACCATTTTACCATCAGGTGAGAGGAGAT[T>C]GTGGCCTGGGTCCAGGCTGGCTGGGGAGACTTGCTGTAAAACCGACTGGCTGGTCACCAT-3'
Protein context (NP_000449.1, residues 384-404): VSPASLDPGH[Asn394Asp]LLSPDGKMIS